The following is an entry in ClinVar:

ClinVar aggregate classification (germline): Benign/Likely benign. Review status: criteria provided, multiple submitters, no conflicts (2 of 4 stars). 4 submissions from 4 submitters: Benign (3); Likely benign (1). Last evaluated 2026-02-02.

Conditions:
Congenital disorder of deglycosylation (CDDG). Identifiers: MedGen C3808991, MONDO:0031376.

Submissions (4):

Labcorp Genetics (formerly Invitae), Labcorp
Classification: Benign for Congenital disorder of deglycosylation. Last evaluated: 2026-02-02. Review status: criteria provided, single submitter. Criteria: Invitae Variant Classification Sherloc (09022015). Collection method: clinical testing. Allele origin: germline.

Blueprint Genetics
Classification: Likely benign. Last evaluated: 2024-11-26. Review status: criteria provided, single submitter. Criteria: ACMG Guidelines, 2015. Collection method: clinical testing. Allele origin: germline.

Mayo Clinic Laboratories, Mayo Clinic
Classification: Benign. Last evaluated: 2023-03-05. Review status: criteria provided, single submitter. Criteria: ACMG Guidelines, 2015. Collection method: clinical testing. Allele origin: germline. Observed: 7 variant alleles.
Comment: BA1, BP4, BP7

GeneDx
Classification: Benign. Last evaluated: 2019-08-18. Review status: criteria provided, single submitter. Criteria: GeneDx Variant Classification Process June 2021. Collection method: clinical testing. Allele origin: germline. Affected: yes.

NM_018297.4(NGLY1):c.493-19dup

Gene: NGLY1 (N-glycanase 1; minus strand). Cytogenetic location: 3p24.2.
Variant type: Duplication.
Coding change: c.493-19dup on transcript NM_018297.4 (MANE Select); 19 bases into the intron before coding-DNA position 493, one base duplicated (T; older notation c.493-19dupT).
Molecular consequence: intron variant.
Genome position (GRCh38, 1-based): chr3:25,751,272, A duplicated on the plus strand (T on the coding strand, the reverse complement: NGLY1 is on the minus strand); the first of 11 consecutive A bases (chr3:25,751,272-25,751,282); duplicating any one gives the same sequence. VCF-style (leftmost placement, unchanged base first): chr3-25751271-G-GA. GRCh37 (hg19) VCF-style: chr3-25792762-G-GA.
Other names: p.?; c.367-19dup (NM_001145294.2); c.493-19dup (NM_001145295.2, NM_001145293.2); c.493-9dup (NM_018297.4).
Identifiers: ClinVar variation 1169090 (VCV001169090.11), dbSNP rs746574174, ClinGen allele CA2289459.